The following is an entry in ClinVar:

ClinVar aggregate classification (germline): Likely benign (1 of 4 stars; one submission).

Submission:

CeGaT Center for Human Genetics Tuebingen
Classification: Likely benign. Last evaluated: 2023-05-01. Review status: criteria provided, single submitter. Criteria: CeGaT Center For Human Genetics Tuebingen Variant Classification Criteria Version 2. Collection method: clinical testing. Allele origin: germline. Affected: yes. Observed: 1 variant allele.
Comment: NBPF16: BP4, BS2

Single allele

Variant type: single nucleotide variant.
Identifiers: ClinVar variation 2639143 (VCV002639143.18), dbSNP rs200226255, ClinGen allele CA1068753.